The following is an entry in ClinVar:

NM_001042424.3(NSD2):c.2173A>G (p.Thr725Ala)

Gene: NSD2 (nuclear receptor binding SET domain protein 2; plus strand). Cytogenetic location: 4p16.3.
Variant type: single nucleotide variant.
Coding change: c.2173A>G on transcript NM_001042424.3 (MANE Select); coding-DNA position 2173, A replaced by G.
Protein change: p.Thr725Ala; replaces threonine 725 with alanine.
Molecular consequence: missense variant.
Genome position (GRCh38, 1-based): chr4:1,953,359, A>G. VCF-style: chr4-1953359-A-G. GRCh37 (hg19) VCF-style: chr4-1955086-A-G.
Other names: c.2173A>G, p.Thr725Ala (NM_133330.3, NM_133331.3, NM_133335.4); short protein forms T725A.
Identifiers: ClinVar variation 1680191 (VCV001680191.8), dbSNP rs1251092560, ClinGen allele CA355986348.

ClinVar aggregate classification (germline): Uncertain significance (1 of 4 stars; one submission).

Allele frequency attached by ClinVar (database versions not stated): gnomAD exomes below 0.00001; TOPMed below 0.00001; gnomAD 0.00001.
gnomAD v4.1: 6 of 1,614,120 alleles (0.00037%); highest among the groups gnomAD compares: African/African-American, 0.008%; no homozygotes.

Submission:

Labcorp Genetics (formerly Invitae), Labcorp
Classification: Uncertain significance. Last evaluated: 2022-07-05. Review status: criteria provided, single submitter. Criteria: Invitae Variant Classification Sherloc (09022015). Collection method: clinical testing. Allele origin: germline.
Comment: In summary, the available evidence is currently insufficient to determine the role of this variant in disease. Therefore, it has been classified as a Variant of Uncertain Significance. Algorithms developed to predict the effect of missense changes on protein structure and function output the following: SIFT: "Tolerated"; PolyPhen-2: "Benign"; Align-GVGD: "Class C0". The alanine amino acid residue is found in multiple mammalian species, which suggests that this missense change does not adversely affect protein function. ClinVar contains an entry for this variant (Variation ID: 1680191). This variant has not been reported in the literature in individuals affected with WHSC1-related conditions. This variant is present in population databases (no rsID available, gnomAD 0.007%). This sequence change replaces threonine, which is neutral and polar, with alanine, which is neutral and non-polar, at codon 725 of the WHSC1 protein (p.Thr725Ala).